The following is an entry in ClinVar:

NM_018206.6(VPS35):c.2320C>A (p.Leu774Met)

Gene: VPS35 (VPS35 retromer complex component; minus strand). Cytogenetic location: 16q11.2.
Variant type: single nucleotide variant.
Coding change: c.2320C>A on transcript NM_018206.6 (MANE Select); coding-DNA position 2320, C replaced by A.
Protein change: p.Leu774Met; replaces leucine 774 with methionine.
Molecular consequence: missense variant.
Genome position (GRCh38, 1-based): chr16:46,660,543, G>T on the plus strand (C>A on the coding strand, the complement: VPS35 is on the minus strand). VCF-style: chr16-46660543-G-T. GRCh37 (hg19) VCF-style: chr16-46694455-G-T.
Other names: short protein forms L774M.
Identifiers: ClinVar variation 487678 (VCV000487678.82), dbSNP rs192419029, ClinGen allele CA8036592.

ClinVar aggregate classification (germline): Conflicting classifications of pathogenicity. Review status: criteria provided, conflicting classifications (1 of 4 stars). 4 submissions from 4 submitters: Likely pathogenic (1); Uncertain significance (2). 1 of the submissions does not count toward it. Last evaluated 2025-11-11.

Conditions:
VPS35-related disorder. Also called: VPS35-related condition.
Parkinson disease 17 (PARK17). Also called: VPS35-Related Parkinson Disease. Identifiers: Orphanet 411602, MedGen C3280133, MONDO:0013625, OMIM 614203.

Allele frequency attached by ClinVar (database versions not stated): gnomAD exomes 0.00005 and 0.00006; TOPMed 0.00005; gnomAD 0.00006 and 0.00005; ExAC 0.00004.
gnomAD v4.1: 103 of 1,613,936 alleles (0.0064%); highest among the groups gnomAD compares: Non-Finnish European, 0.0083%; no homozygotes.

Submissions (4):

Labcorp Genetics (formerly Invitae), Labcorp
Classification: Likely pathogenic for Parkinson disease 17. Last evaluated: 2025-11-11. Review status: criteria provided, single submitter. Criteria: Invitae Variant Classification Sherloc (09022015). Collection method: clinical testing. Allele origin: germline.
Comment: This sequence change replaces leucine, which is neutral and non-polar, with methionine, which is neutral and non-polar, at codon 774 of the VPS35 protein (p.Leu774Met). This variant is present in population databases (rs192419029, gnomAD 0.01%). This missense change has been observed in individuals with VPS35-related conditions (PMID: 23125461, 28862745; internal data). ClinVar contains an entry for this variant (Variation ID: 487678). Invitae Evidence Modeling of protein sequence and biophysical properties (such as structural, functional, and spatial information, amino acid conservation, physicochemical variation, residue mobility, and thermodynamic stability) indicates that this missense variant is not expected to disrupt VPS35 protein function with a negative predictive value of 80%. Experimental studies have shown that this missense change does not substantially affect VPS35 function (PMID: 25288323, 26251041). In summary, the currently available evidence indicates that the variant is pathogenic, but additional data are needed to prove that conclusively. Therefore, this variant has been classified as Likely Pathogenic.

PreventionGenetics, part of Exact Sciences
Classification: Uncertain significance for VPS35-related condition. Last evaluated: 2025-07-08. Review status: criteria provided, single submitter. Criteria: ACMG Guidelines, 2015. Collection method: clinical testing. Allele origin: germline.
Comment: The VPS35 c.2320C>A variant is predicted to result in the amino acid substitution p.Leu774Met. This variant was reported in individuals with Parkinson disease, late-onset, autosomal dominant and considered as an uncertain variant (Zimprich et al 2011. PubMed ID: 21763483; Malik BR et al 2015. PubMed ID: 26251041; Schormair B et al 2018. PubMed ID: 28862745). Functional studies showed that this variant did not significantly change the phenotype of the model (Wang HS et al 2014. PubMed ID: 25288323;). This variant is reported in 0.012% of alleles in individuals of European (Non-Finnish) descent in gnomAD. Although we suspect that this variant may be pathogenic, at this time, the clinical significance of this variant is uncertain due to the absence of conclusive functional and genetic evidence.

CeGaT Center for Human Genetics Tuebingen
Classification: Uncertain significance. Last evaluated: 2021-01-01. Review status: criteria provided, single submitter. Criteria: CeGaT Center For Human Genetics Tuebingen Variant Classification Criteria Version 2. Collection method: clinical testing. Allele origin: germline. Affected: yes. Observed: 3 variant alleles.

GeneReviews
No classification provided. Condition: Parkinson disease 17. Review status: no classification provided. Collection method: literature only. Allele origin: germline. Not counted in ClinVar's aggregate classification.

Literature cited by the submitters: PubMed 23125461 (cited by Labcorp Genetics (formerly Invitae), Labcorp); PubMed 28862745 (cited by Labcorp Genetics (formerly Invitae), Labcorp); PubMed 25288323 (cited by Labcorp Genetics (formerly Invitae), Labcorp); PubMed 26251041 (cited by Labcorp Genetics (formerly Invitae), Labcorp); NCBI Bookshelf NBK447258 (cited by GeneReviews); PubMed 28796472 (cited by GeneReviews).